The following is an entry in ClinVar:

ClinVar aggregate classification (germline): Pathogenic (1 of 4 stars; one submission).

Submission:

GeneDx
Classification: Pathogenic. Last evaluated: 2017-02-16. Review status: criteria provided, single submitter. Criteria: GeneDx Variant Classification (06012015). Collection method: clinical testing. Allele origin: germline. Affected: yes.
Comment: The c.633_643del11 variant in the BCL11A gene has not been reported previously as a pathogenic variant nor as a benign variant, to our knowledge. This variant causes a frameshift starting with codon Glycine 212, changes this amino acid to an Arginine residue, and creates a premature Stop codon at position 21 of the new reading frame, denoted p.Gly212ArgfsX21. This variant is predicted to cause loss of normal protein function through protein truncation, as the last 624 amino acids of the protein are replaced by 20 incorrect amino acids. The c.633_643del11 variant is not observed in large population cohorts (Lek et al., 2016; 1000 Genomes Consortium et al., 2015; Exome Variant Server). We interpret c.633_643del11 as a pathogenic variant.

NM_022893.4(BCL11A):c.633_643del (p.Gly212fs)

Gene: BCL11A (BCL11 transcription factor A; minus strand). Cytogenetic location: 2p16.1.
Variant type: Deletion.
Coding change: c.633_643del on transcript NM_022893.4 (MANE Select); coding-DNA positions 633 to 643, 11 bases deleted (TGGTATCCCTT).
Protein change: p.Gly212fs; shifts the reading frame from glycine 212.
Molecular consequence: frameshift variant. On other transcripts: splice donor variant (1).
Genome position (GRCh38, 1-based): chr2:60,462,269-60,462,279, AAGGGATACCA deleted on the plus strand (TGGTATCCCTT on the coding strand, the reverse complement: BCL11A is on the minus strand); deleting any 11 consecutive bases within chr2:60,462,269-60,462,280 gives the same sequence; the c. name uses the placement nearest the transcript's 3' end. VCF-style (leftmost placement, unchanged base first): chr2-60462268-GAAGGGATACCA-G. GRCh37 (hg19) VCF-style: chr2-60689403-GAAGGGATACCA-G.
Other names: c.531_541del, p.Gly178fs (NM_001363864.1, NM_001365609.1); c.633_643del, p.Gly212fs (NM_018014.4); c.630+3_630+13del (NM_138559.2); short protein forms G178fs, G212fs.
Identifiers: ClinVar variation 423454 (VCV000423454.2), dbSNP rs1553403688, ClinGen allele CA16617745.